The following is an entry in ClinVar:

NM_000088.4(COL1A1):c.4367T>G (p.Phe1456Cys)

Gene: COL1A1 (collagen type I alpha 1 chain; minus strand). Cytogenetic location: 17q21.33.
Variant type: single nucleotide variant.
Coding change: c.4367T>G on transcript NM_000088.4 (MANE Select); coding-DNA position 4367, T replaced by G.
Protein change: p.Phe1456Cys; replaces phenylalanine 1456 with cysteine.
Molecular consequence: missense variant.
Genome position (GRCh38, 1-based): chr17:50,185,530, A>C on the plus strand (T>G on the coding strand, the complement: COL1A1 is on the minus strand). VCF-style: chr17-50185530-A-C. GRCh37 (hg19) VCF-style: chr17-48262891-A-C.
Other names: short protein forms F1456C.
Identifiers: ClinVar variation 2825583 (VCV002825583.3), dbSNP rs2509152567, ClinGen allele CA400189939.

ClinVar aggregate classification (germline): Uncertain significance (1 of 4 stars; one submission).

Conditions:
Osteogenesis imperfecta type I (OI1). Also called: OI, TYPE I; OSTEOGENESIS IMPERFECTA TARDA; OSTEOGENESIS IMPERFECTA WITH BLUE SCLERAE; Osteogenesis imperfecta type 1; Lobstein's Disease; Lobstein disease. Identifiers: Orphanet 216796, Orphanet 666, MedGen C0023931, MONDO:0008146, OMIM 166200. Disease mechanism: loss of function.

Submission:

Labcorp Genetics (formerly Invitae), Labcorp
Classification: Uncertain significance for Osteogenesis imperfecta type I. Last evaluated: 2022-12-31. Review status: criteria provided, single submitter. Criteria: Invitae Variant Classification Sherloc (09022015). Collection method: clinical testing. Allele origin: germline.
Comment: In summary, the available evidence is currently insufficient to determine the role of this variant in disease. Therefore, it has been classified as a Variant of Uncertain Significance. Advanced modeling of protein sequence and biophysical properties (such as structural, functional, and spatial information, amino acid conservation, physicochemical variation, residue mobility, and thermodynamic stability) performed at Invitae indicates that this missense variant is not expected to disrupt COL1A1 protein function. This variant has not been reported in the literature in individuals affected with COL1A1-related conditions. This variant is not present in population databases (gnomAD no frequency). This sequence change replaces phenylalanine, which is neutral and non-polar, with cysteine, which is neutral and slightly polar, at codon 1456 of the COL1A1 protein (p.Phe1456Cys).